The following is an entry in ClinVar:

NM_018706.7(DHTKD1):c.1928T>C (p.Val643Ala)

Gene: DHTKD1 (dehydrogenase E1 and transketolase domain containing 1; plus strand). Cytogenetic location: 10p14.
Variant type: single nucleotide variant.
Coding change: c.1928T>C on transcript NM_018706.7 (MANE Select); coding-DNA position 1928, T replaced by C.
Protein change: p.Val643Ala; replaces valine 643 with alanine.
Molecular consequence: missense variant.
Genome position (GRCh38, 1-based): chr10:12,106,277, T>C. VCF-style: chr10-12106277-T-C. GRCh37 (hg19) VCF-style: chr10-12148276-T-C.
Other names: short protein forms V643A.
Identifiers: ClinVar variation 2608331 (VCV002608331.3), dbSNP rs750414743, ClinGen allele CA5408078.

ClinVar aggregate classification (germline): Uncertain significance. Review status: criteria provided, multiple submitters, no conflicts (2 of 4 stars). 2 submissions from 2 submitters: Uncertain significance (2). Last evaluated 2025-11-21.

Conditions:
Inborn genetic diseases. Identifiers: MedGen C0950123, MeSH D030342.
2-aminoadipic 2-oxoadipic aciduria (AAKAD). Also called: Aminoadipic aciduria; ALPHA-AMINOADIPIC AND ALPHA-KETOADIPIC ACIDURIA. Identifiers: Orphanet 79154, MedGen C1859817, MONDO:0008774, OMIM 204750.

Allele frequency attached by ClinVar (database versions not stated): gnomAD exomes below 0.00001; gnomAD 0.00001; TOPMed 0.00003; ExAC 0.00004.
gnomAD v4.1: 6 of 1,614,000 alleles (0.00037%); highest among the groups gnomAD compares: East Asian, 0.011%; no homozygotes.

Submissions (2):

Labcorp Genetics (formerly Invitae), Labcorp
Classification: Uncertain significance for 2-aminoadipic 2-oxoadipic aciduria. Last evaluated: 2025-11-21. Review status: criteria provided, single submitter. Criteria: Invitae Variant Classification Sherloc (09022015). Collection method: clinical testing. Allele origin: germline.
Comment: This sequence change replaces valine, which is neutral and non-polar, with alanine, which is neutral and non-polar, at codon 643 of the DHTKD1 protein (p.Val643Ala). This variant is present in population databases (rs750414743, gnomAD 0.05%). This variant has not been reported in the literature in individuals affected with DHTKD1-related conditions. ClinVar contains an entry for this variant (Variation ID: 2608331). Invitae Evidence Modeling of protein sequence and biophysical properties (such as structural, functional, and spatial information, amino acid conservation, physicochemical variation, residue mobility, and thermodynamic stability) indicates that this missense variant is not expected to disrupt DHTKD1 protein function with a negative predictive value of 80%. In summary, the available evidence is currently insufficient to determine the role of this variant in disease. Therefore, it has been classified as a Variant of Uncertain Significance.

Ambry Genetics
Classification: Uncertain significance for Inborn genetic diseases. Last evaluated: 2023-06-29. Review status: criteria provided, single submitter. Criteria: Ambry Variant Classification Scheme 2023. Collection method: clinical testing. Allele origin: germline.